The following is an entry in ClinVar:

NM_000423.3(KRT2):c.1694C>T (p.Ser565Phe)

Gene: KRT2 (keratin 2; minus strand). Cytogenetic location: 12q13.13.
Variant type: single nucleotide variant.
Coding change: c.1694C>T on transcript NM_000423.3 (MANE Select); coding-DNA position 1694, C replaced by T.
Protein change: p.Ser565Phe; replaces serine 565 with phenylalanine.
Molecular consequence: missense variant.
Genome position (GRCh38, 1-based): chr12:52,645,245, G>A on the plus strand (C>T on the coding strand, the complement: KRT2 is on the minus strand). VCF-style: chr12-52645245-G-A. GRCh37 (hg19) VCF-style: chr12-53039029-G-A.
Other names: short protein forms S565F.
Identifiers: ClinVar variation 1305981 (VCV001305981.2), dbSNP rs1365527480, ClinGen allele CA384971511.

ClinVar aggregate classification (germline): Uncertain significance (1 of 4 stars; one submission).

gnomAD v4.1: 1 of 1,613,996 alleles (0.000062%); highest among the groups gnomAD compares: Non-Finnish European, 0.000085%; no homozygotes.

Submission:

GeneDx
Classification: Uncertain significance. Last evaluated: 2019-05-30. Review status: criteria provided, single submitter. Criteria: GeneDx Variant Classification Process June 2021. Collection method: clinical testing. Allele origin: germline. Affected: yes.
Comment: Missense variant located in the variable tail domain of keratin 2; Has not been previously published as pathogenic or benign to our knowledge; In silico analysis, which includes protein predictors and evolutionary conservation, supports that this variant does not alter protein structure/function